The following is an entry in ClinVar:

ClinVar aggregate classification (germline): Uncertain significance (1 of 4 stars; one submission).

Conditions:
Agammaglobulinemia 8b, autosomal recessive. Also called: AGAMMAGLOBULINEMIA, AUTOSOMAL RECESSIVE, DUE TO TCF3 DEFECT. Identifiers: MedGen C5676958, MONDO:0859234, OMIM 619824.

gnomAD v4.1: 3 of 1,613,168 alleles (0.00019%); highest among the groups gnomAD compares: Non-Finnish European, 0.00017%; no homozygotes.

Submission:

Pittsburgh Clinical Genomics Laboratory, University of Pittsburgh Medical Center
Classification: Uncertain significance for Agammaglobulinemia 8b, autosomal recessive. Last evaluated: 2024-02-15. Review status: criteria provided, single submitter. Criteria: ACMG Guidelines, 2015. Collection method: clinical testing. Allele origin: germline. Inheritance: Autosomal recessive inheritance. Affected: yes.
Comment: This sequence variant is a single nucleotide substitution (G>C) at position 231 of the coding sequence of the TCF3 gene that results in a glutamic acid to aspartic acid amino acid change at residue 77 of the transcription factor 3 protein. This variant is absent from ClinVar and has not been observed in individuals affected by a TCF3-related disorder in the published literature, to our knowledge. This variant is present in 3 of 1460894 alleles (0.0002%) in the gnomAD v4.0.0 population dataset. Multiple bioinformatic tools predict that this amino acid change would be neutral, and the Glu77 residue at this position is moderately conserved across the vertebrate species examined. Studies examining the functional consequence of this variant have not been published, to our knowledge. At this time, there is insufficient evidence to determine if this variant is pathogenic or benign. Therefore, we consider this a variant of uncertain significance. ACMG Criteria: BP4, PM2

NM_003200.5(TCF3):c.231G>C (p.Glu77Asp)

Gene: TCF3 (transcription factor 3; minus strand). Cytogenetic location: 19p13.3.
Variant type: single nucleotide variant.
Coding change: c.231G>C on transcript NM_003200.5 (MANE Select); coding-DNA position 231, G replaced by C.
Protein change: p.Glu77Asp; replaces glutamic acid 77 with aspartic acid.
Molecular consequence: missense variant.
Genome position (GRCh38, 1-based): chr19:1,632,105, C>G on the plus strand (G>C on the coding strand, the complement: TCF3 is on the minus strand). VCF-style: chr19-1632105-C-G. GRCh37 (hg19) VCF-style: chr19-1632104-C-G.
Other names: c.231G>C, p.Glu77Asp (NM_001136139.4, NM_001351778.2, NM_001351779.2); short protein forms E77D.
Identifiers: ClinVar variation 3376353 (VCV003376353.1).